The following is an entry in ClinVar:

ClinVar aggregate classification (germline): Uncertain significance (1 of 4 stars; one submission).

Submission:

Labcorp Genetics (formerly Invitae), Labcorp
Classification: Uncertain significance. Last evaluated: 2019-12-26. Review status: criteria provided, single submitter. Criteria: Invitae Variant Classification Sherloc (09022015). Collection method: clinical testing. Allele origin: germline.
Comment: This sequence change replaces glutamic acid with aspartic acid at codon 80 of the ATOH7 protein (p.Glu80Asp). The glutamic acid residue is highly conserved and there is a small physicochemical difference between glutamic acid and aspartic acid. This variant is not present in population databases (ExAC no frequency). This variant has not been reported in the literature in individuals with ATOH7-related conditions. Algorithms developed to predict the effect of missense changes on protein structure and function (SIFT, PolyPhen-2, Align-GVGD) all suggest that this variant is likely to be disruptive, but these predictions have not been confirmed by published functional studies and their clinical significance is uncertain. In summary, the available evidence is currently insufficient to determine the role of this variant in disease. Therefore, it has been classified as a Variant of Uncertain Significance.

NM_145178.4(ATOH7):c.240G>C (p.Glu80Asp)

Gene: ATOH7 (atonal bHLH transcription factor 7; minus strand). Cytogenetic location: 10q21.3.
Variant type: single nucleotide variant.
Coding change: c.240G>C on transcript NM_145178.4 (MANE Select); coding-DNA position 240, G replaced by C.
Protein change: p.Glu80Asp; replaces glutamic acid 80 with aspartic acid.
Molecular consequence: missense variant.
Genome position (GRCh38, 1-based): chr10:68,231,438, C>G on the plus strand (G>C on the coding strand, the complement: ATOH7 is on the minus strand). VCF-style: chr10-68231438-C-G. GRCh37 (hg19) VCF-style: chr10-69991195-C-G.
Other names: short protein forms E80D.
Identifiers: ClinVar variation 848325 (VCV000848325.1), dbSNP rs2044026055, ClinGen allele CA376835912.